The following is an entry in ClinVar:

NM_006946.4(SPTBN2):c.4445G>A (p.Arg1482Gln)

Gene: SPTBN2 (spectrin beta, non-erythrocytic 2; minus strand). Cytogenetic location: 11q13.2.
Variant type: single nucleotide variant.
Coding change: c.4445G>A on transcript NM_006946.4 (MANE Select); coding-DNA position 4445, G replaced by A.
Protein change: p.Arg1482Gln; replaces arginine 1482 with glutamine.
Molecular consequence: missense variant.
Genome position (GRCh38, 1-based): chr11:66,694,197, C>T on the plus strand (G>A on the coding strand, the complement: SPTBN2 is on the minus strand). VCF-style: chr11-66694197-C-T. GRCh37 (hg19) VCF-style: chr11-66461668-C-T.
Other names: short protein forms R1482Q.
Identifiers: ClinVar variation 448504 (VCV000448504.19), dbSNP rs769576700, ClinGen allele CA6128582.

ClinVar aggregate classification (germline): Conflicting classifications of pathogenicity. Review status: criteria provided, conflicting classifications (1 of 4 stars). 5 submissions from 5 submitters: Uncertain significance (2); Likely benign (3). Last evaluated 2026-02-07.

Conditions:
Inborn genetic diseases. Identifiers: MedGen C0950123, MeSH D030342.

Allele frequency attached by ClinVar (database versions not stated): gnomAD 0.00006; TOPMed 0.00006; ExAC 0.00011.
gnomAD v4.1: 163 of 1,613,290 alleles (0.01%); highest among the groups gnomAD compares: Admixed American, 0.017%; no homozygotes.

Submissions (5):

GeneDx
Classification: Uncertain significance. Last evaluated: 2026-02-07. Review status: criteria provided, single submitter. Criteria: GeneDx Variant Classification Process June 2021. Collection method: clinical testing. Allele origin: germline.
Comment: In silico analysis suggests that this missense variant does not alter protein structure/function; Has not been previously published as pathogenic or benign to our knowledge

CeGaT Center for Human Genetics Tuebingen
Classification: Uncertain significance. Last evaluated: 2026-02-01. Review status: criteria provided, single submitter. Criteria: CeGaT Center For Human Genetics Tuebingen Variant Classification Criteria Version 2. Collection method: clinical testing. Allele origin: germline. Affected: yes. Observed: 2 variant alleles.
Comment: SPTBN2: PM2, PM5:Supporting, BP4

Ambry Genetics
Classification: Likely benign for Inborn genetic diseases. Last evaluated: 2025-08-03. Review status: criteria provided, single submitter. Criteria: Ambry Variant Classification Scheme 2023. Collection method: clinical testing. Allele origin: germline.

Labcorp Genetics (formerly Invitae), Labcorp
Classification: Likely benign. Last evaluated: 2023-08-04. Review status: criteria provided, single submitter. Criteria: Invitae Variant Classification Sherloc (09022015). Collection method: clinical testing. Allele origin: germline.

Athena Diagnostics
Classification: Likely benign. Last evaluated: 2019-03-25. Review status: criteria provided, single submitter. Criteria: Athena Diagnostics Criteria. Collection method: clinical testing. Allele origin: germline.